The following is an entry in ClinVar:

NM_000363.5(TNNI3):c.173A>G (p.Lys58Arg)

Gene: TNNI3 (troponin I3, cardiac type; minus strand). Cytogenetic location: 19q13.42.
Variant type: single nucleotide variant.
Coding change: c.173A>G on transcript NM_000363.5 (MANE Select); coding-DNA position 173, A replaced by G.
Protein change: p.Lys58Arg; replaces lysine 58 with arginine.
Molecular consequence: missense variant.
Genome position (GRCh38, 1-based): chr19:55,156,310, T>C on the plus strand (A>G on the coding strand, the complement: TNNI3 is on the minus strand). VCF-style: chr19-55156310-T-C. GRCh37 (hg19) VCF-style: chr19-55667678-T-C.
Other names: c.173A>G (LRG_432t1); short protein forms K58R.
Identifiers: ClinVar variation 237689 (VCV000237689.18), dbSNP rs878853955, ClinGen allele CA10583865.

ClinVar aggregate classification (germline): Conflicting classifications of pathogenicity. Review status: criteria provided, conflicting classifications (1 of 4 stars). 5 submissions from 5 submitters: Uncertain significance (4); Benign (1). Last evaluated 2025-10-29.

Conditions:
Cardiovascular phenotype. Identifiers: MedGen CN230736.
Hypertrophic cardiomyopathy. Also called: HYPERTROPHIC MYOCARDIOPATHY. Identifiers: Orphanet 217569, MedGen C0007194, MeSH D002312, MONDO:0005045, HP:0001639.

Submissions (6):

Labcorp Genetics (formerly Invitae), Labcorp
Classification: Uncertain significance for Hypertrophic cardiomyopathy. Last evaluated: 2025-10-29. Review status: criteria provided, single submitter. Criteria: Invitae Variant Classification Sherloc (09022015). Collection method: clinical testing. Allele origin: germline.
Comment: This sequence change replaces lysine, which is basic and polar, with arginine, which is basic and polar, at codon 58 of the TNNI3 protein (p.Lys58Arg). This variant is not present in population databases (gnomAD no frequency). This variant has not been reported in the literature in individuals affected with TNNI3-related conditions. ClinVar contains an entry for this variant (Variation ID: 237689). An algorithm developed to predict the effect of missense changes on protein structure and function (PolyPhen-2) suggests that this variant is likely to be disruptive. In summary, the available evidence is currently insufficient to determine the role of this variant in disease. Therefore, it has been classified as a Variant of Uncertain Significance.

Women's Health and Genetics/Laboratory Corporation of America, LabCorp
Classification: Uncertain significance. Last evaluated: 2025-07-09. Review status: criteria provided, single submitter. Criteria: LabCorp Variant Classification Summary - May 2015. Collection method: clinical testing. Allele origin: germline.

Ambry Genetics
Classification: Uncertain significance for Cardiovascular phenotype. Last evaluated: 2024-12-19. Review status: criteria provided, single submitter. Criteria: Ambry Variant Classification Scheme 2023. Collection method: clinical testing. Allele origin: germline.
Comment: The p.K58R variant (also known as c.173A>G), located in coding exon 5 of the TNNI3 gene, results from an A to G substitution at nucleotide position 173. The lysine at codon 58 is replaced by arginine, an amino acid with highly similar properties. This amino acid position is highly conserved in available vertebrate species. In addition, the in silico prediction for this alteration is inconclusive. Since supporting evidence is limited at this time, the clinical significance of this alteration remains unclear.

All of Us Research Program, National Institutes of Health
Classification: Uncertain significance for Hypertrophic cardiomyopathy. Last evaluated: 2024-04-25. Review status: criteria provided, single submitter. Criteria: ACMG Guidelines, 2015. Collection method: clinical testing. Allele origin: germline. Inheritance: Autosomal dominant inheritance. Observed: 1 variant allele, 1 heterozygote.
Comment: This missense variant replaces lysine with arginine at codon 58 of the TNNI3 protein. Computational prediction tools indicate that this variant's impact on protein structure and function is inconclusive. To our knowledge, functional studies have not been reported for this variant. This variant has not been reported in individuals affected with TNNI3-related disorders in the literature. This variant has not been identified in the general population by the Genome Aggregation Database (gnomAD). The available evidence is insufficient to determine the role of this variant in disease conclusively. Therefore, this variant is classified as a Variant of Uncertain Significance.

This study involves interpretation of variants in research participants for the purpose of population health screening. Participant phenotype was not available at the time of variant classification. Additional details can be found in publication PMID: 35346344, PMCID: PMC8962531

GeneDx
Classification: Benign. Last evaluated: 2015-03-03. Review status: criteria provided, single submitter. Criteria: GeneDx Variant Classification Process June 2021. Collection method: clinical testing. Allele origin: germline. Affected: yes.

Dr. Peter K. Rogan Lab, Western University
No classification provided (evidence only). Condition: Nonpapillary renal cell carcinoma. Review status: no classification provided. Collection method: in vitro. Allele origin: not applicable. Functional consequence: retained intron. Not counted in ClinVar's aggregate classification.

Literature cited by the submitters: PubMed 9241277 (cited by Ambry Genetics).